The following is an entry in ClinVar:

NM_001267550.2(TTN):c.35675_35676del (p.Val11892fs)

Gene: TTN (titin; minus strand). Cytogenetic location: 2q31.2.
Variant type: Microsatellite.
Coding change: c.35675_35676del on transcript NM_001267550.2 (MANE Select); coding-DNA positions 35675 to 35676, 2 bases deleted (TG; older notation c.35675_35676delTG).
Protein change: p.Val11892fs; shifts the reading frame from valine 11892.
Molecular consequence: frameshift variant. On other transcripts: intron variant (5).
Genome position (GRCh38, 1-based): chr2:178,667,479-178,667,480, CA deleted on the plus strand (TG on the coding strand, the reverse complement: TTN is on the minus strand); deleting any 2 consecutive bases within chr2:178,667,479-178,667,482 gives the same sequence; the c. name uses the placement nearest the transcript's 3' end. VCF-style (leftmost placement, unchanged base first): chr2-178667478-TCA-T. GRCh37 (hg19) VCF-style: chr2-179532205-TCA-T.
Other names: c.13859-25163_13859-25162del (NM_133437.4); c.13658-25163_13658-25162del (NM_133432.3); c.31483+2738_31483+2739del (NM_133378.4); c.34264+2738_34264+2739del (NM_001256850.1); c.13283-25163_13283-25162del (NM_003319.4); short protein forms V11892fs.
Identifiers: ClinVar variation 848116 (VCV000848116.9), dbSNP rs1440560303, ClinGen allele CA538436989.

ClinVar aggregate classification (germline): Likely pathogenic (1 of 4 stars; one submission).

Conditions:
Autosomal recessive limb-girdle muscular dystrophy type 2J (LGMDR10). Also called: MUSCULAR DYSTROPHY, LIMB-GIRDLE, AUTOSOMAL RECESSIVE 10; Limb-girdle muscular dystrophy, type 2J. Identifiers: Orphanet 140922, MedGen C1837342, MONDO:0012127, OMIM 608807.
Dilated cardiomyopathy 1G (CMD1G). Identifiers: Orphanet 154, MedGen C1858763, MONDO:0011400, OMIM 604145.

Submission:

Labcorp Genetics (formerly Invitae), Labcorp
Classification: Likely pathogenic for Dilated cardiomyopathy 1G; Autosomal recessive limb-girdle muscular dystrophy type 2J. Last evaluated: 2025-03-29. Review status: criteria provided, single submitter. Criteria: Invitae Variant Classification Sherloc (09022015). Collection method: clinical testing. Allele origin: germline.
Comment: This sequence change creates a premature translational stop signal (p.Val11892Aspfs*4) in the TTN gene. While this is not anticipated to result in nonsense mediated decay, it is expected to create a truncated TTN protein. This variant is present in population databases (no rsID available, gnomAD 0.003%). This variant has not been reported in the literature in individuals affected with TTN-related conditions. ClinVar contains an entry for this variant (Variation ID: 848116). This variant is located in the I band of TTN (PMID: 25589632). Truncating variants in this region have been reported in individuals affected with autosomal recessive centronuclear myopathy (PMID: 23975875, internal data). Truncating variants in this region have also been identified in individuals affected with autosomal dominant dilated cardiomyopathy and/or cardio-related conditions (PMID: 27869827, 32964742, internal data). In summary, the currently available evidence indicates that the variant is pathogenic, but additional data are needed to prove that conclusively. Therefore, this variant has been classified as Likely Pathogenic.

Literature cited by the submitters: PubMed 25589632; PubMed 23975875; PubMed 27869827; PubMed 32964742.